The following is an entry in ClinVar:

ClinVar aggregate classification (germline): Conflicting classifications of pathogenicity. Review status: criteria provided, conflicting classifications (1 of 4 stars). 2 submissions from 2 submitters: Uncertain significance (1); Likely benign (1). Last evaluated 2025-07-23.

Conditions:
Inborn genetic diseases. Identifiers: MedGen C0950123, MeSH D030342.

Allele frequency attached by ClinVar (database versions not stated): gnomAD exomes 0.00001 and 0.00003; gnomAD 0.00005 and 0.00006; TOPMed 0.00005; ExAC 0.00006.
gnomAD v4.1: 25 of 1,607,140 alleles (0.0016%); highest among the groups gnomAD compares: Middle Eastern, 0.033%; no homozygotes.

Submissions (2):

Labcorp Genetics (formerly Invitae), Labcorp
Classification: Likely benign. Last evaluated: 2025-07-23. Review status: criteria provided, single submitter. Criteria: Invitae Variant Classification Sherloc (09022015). Collection method: clinical testing. Allele origin: germline.

Ambry Genetics
Classification: Uncertain significance for Inborn genetic diseases. Last evaluated: 2022-06-07. Review status: criteria provided, single submitter. Criteria: Ambry Variant Classification Scheme 2023. Collection method: clinical testing. Allele origin: germline.
Comment: The c.2635-6T>C intronic alteration consists of a T to C substitution 6 nucleotides before exon 18 (coding exon 17) of the NNT gene. Based on insufficient or conflicting evidence, the clinical significance of this alteration remains unclear.

NM_182977.3(NNT):c.2635-6T>C

Gene: NNT (nicotinamide nucleotide transhydrogenase; plus strand). Cytogenetic location: 5p12.
Variant type: single nucleotide variant.
Coding change: c.2635-6T>C on transcript NM_182977.3 (MANE Select); 6 bases into the intron before coding-DNA position 2635, T replaced by C.
Molecular consequence: intron variant.
Genome position (GRCh38, 1-based): chr5:43,675,505, T>C. VCF-style: chr5-43675505-T-C. GRCh37 (hg19) VCF-style: chr5-43675607-T-C.
Other names: c.2635-6T>C (NM_012343.4, NM_012343.3); c.2242-6T>C (NM_001331026.2).
Identifiers: ClinVar variation 1659285 (VCV001659285.9), dbSNP rs747389406, ClinGen allele CA3258296.